The following is an entry in ClinVar:

ClinVar aggregate classification (germline): Pathogenic (1 of 4 stars; one submission).

Submission:

Labcorp Genetics (formerly Invitae), Labcorp
Classification: Pathogenic. Last evaluated: 2022-12-07. Review status: criteria provided, single submitter. Criteria: Invitae Variant Classification Sherloc (09022015). Collection method: clinical testing. Allele origin: unknown.
Comment: For these reasons, this variant has been classified as Pathogenic. This variant has not been reported in the literature in individuals affected with USP9X-related conditions. This variant is a gross deletion of the genomic region encompassing exon(s) 39-41 of the USP9X gene. This deletion is out-of-frame, and is expected to create a premature termination codon and result in an absent or disrupted protein product. Loss-of-function variants in USP9X are known to be pathogenic (PMID: 26833328, 28377321).

Literature cited by the submitters: PubMed 26833328; PubMed 28377321.

NC_000023.10:g.(?_41082450)_(41084410_?)del

Gene: USP9X (ubiquitin specific peptidase 9 X-linked; plus strand). Cytogenetic location: Xp11.4.
Variant type: Deletion.
Identifiers: ClinVar variation 3246386 (VCV003246386.1).